The following is an entry in ClinVar:

ClinVar aggregate classification (germline): Likely benign. Review status: criteria provided, multiple submitters, no conflicts (2 of 4 stars). 3 submissions from 3 submitters: Likely benign (3). Last evaluated 2026-01-27.

Conditions:
Andersen Tawil syndrome (LQT7). Also called: ANDERSEN CARDIODYSRHYTHMIC PERIODIC PARALYSIS; Potassium-sensitive periodic paralysis, ventricular ectopy, and dysmorphic features; LONG QT SYNDROME 7; PERIODIC PARALYSIS, POTASSIUM-SENSITIVE CARDIODYSRHYTHMIC TYPE; Andersen Syndrome. Identifiers: Orphanet 37553, MedGen C1563715, MONDO:0008222, OMIM 170390.
Short QT syndrome type 3. Identifiers: Orphanet 51083, MedGen C1865018, MONDO:0012314, OMIM 609622.
Cardiovascular phenotype. Identifiers: MedGen CN230736.

Allele frequency attached by ClinVar (database versions not stated): gnomAD 0.00001; gnomAD exomes 0.00001; TOPMed 0.00001.

Submissions (3):

Labcorp Genetics (formerly Invitae), Labcorp
Classification: Likely benign for Short QT syndrome type 3; Andersen Tawil syndrome. Last evaluated: 2026-01-27. Review status: criteria provided, single submitter. Criteria: Invitae Variant Classification Sherloc (09022015). Collection method: clinical testing. Allele origin: germline.

Ambry Genetics
Classification: Likely benign for Cardiovascular phenotype. Last evaluated: 2024-02-26. Review status: criteria provided, single submitter. Criteria: Ambry Variant Classification Scheme 2023. Collection method: clinical testing. Allele origin: germline.

GeneDx
Classification: Likely benign. Last evaluated: 2017-09-25. Review status: criteria provided, single submitter. Criteria: GeneDx Variant Classification (06012015). Collection method: clinical testing. Allele origin: germline. Affected: yes.
Comment: This variant is considered likely benign or benign based on one or more of the following criteria: it is a conservative change, it occurs at a poorly conserved position in the protein, it is predicted to be benign by multiple in silico algorithms, and/or has population frequency not consistent with disease.

NM_000891.3(KCNJ2):c.924G>A (p.Thr308=)

Gene: KCNJ2 (potassium inwardly rectifying channel subfamily J member 2; plus strand). Cytogenetic location: 17q24.3.
Variant type: single nucleotide variant.
Coding change: c.924G>A on transcript NM_000891.3 (MANE Select); coding-DNA position 924, G replaced by A.
Protein change: p.Thr308=; no amino-acid change (threonine 308 retained).
Molecular consequence: synonymous variant.
Genome position (GRCh38, 1-based): chr17:70,175,963, G>A. VCF-style: chr17-70175963-G-A. GRCh37 (hg19) VCF-style: chr17-68172104-G-A.
Identifiers: ClinVar variation 506465 (VCV000506465.10), dbSNP rs1441547463, ClinGen allele CA501700700.